The following is an entry in ClinVar:

NM_001854.4(COL11A1):c.274+2T>A

Gene: COL11A1 (collagen type XI alpha 1 chain; minus strand). Cytogenetic location: 1p21.1.
Variant type: single nucleotide variant.
Coding change: c.274+2T>A on transcript NM_001854.4 (MANE Select); the canonical splice donor site of the intron after coding-DNA position 274, T replaced by A.
Molecular consequence: splice donor variant.
Genome position (GRCh38, 1-based): chr1:103,082,803, A>T on the plus strand (T>A on the coding strand, the complement: COL11A1 is on the minus strand). VCF-style: chr1-103082803-A-T. GRCh37 (hg19) VCF-style: chr1-103548359-A-T.
Other names: c.274+2T>A (NM_001190709.2, NM_080629.3, NM_080630.4).
Identifiers: ClinVar variation 3661590 (VCV003661590.2).

ClinVar aggregate classification (germline): Likely pathogenic (1 of 4 stars; one submission).

Submission:

Labcorp Genetics (formerly Invitae), Labcorp
Classification: Likely pathogenic. Last evaluated: 2025-02-06. Review status: criteria provided, single submitter. Criteria: Invitae Variant Classification Sherloc (09022015). Collection method: clinical testing. Allele origin: germline.
Comment: This sequence change affects a donor splice site in intron 2 of the COL11A1 gene. It is expected to disrupt RNA splicing. Variants that disrupt the donor or acceptor splice site typically lead to a loss of protein function (PMID: 16199547), and loss-of-function variants in COL11A1 are known to be pathogenic (PMID: 20513134, 21035103, 23922384, 25240749, 32427345, 32756486). This variant is not present in population databases (gnomAD no frequency). This variant has not been reported in the literature in individuals affected with COL11A1-related conditions. Algorithms developed to predict the effect of sequence changes on RNA splicing suggest that this variant may disrupt the consensus splice site. In summary, the currently available evidence indicates that the variant is pathogenic, but additional data are needed to prove that conclusively. Therefore, this variant has been classified as Likely Pathogenic.

Literature cited by the submitters: PubMed 16199547; PubMed 20513134; PubMed 21035103; PubMed 23922384; PubMed 25240749; PubMed 32427345; PubMed 32756486.